The following is an entry in ClinVar:

NM_001243279.3(ACSF3):c.1407_1408del (p.Gly470fs)

Gene: ACSF3 (acyl-CoA synthetase family member 3; plus strand). Cytogenetic location: 16q24.3.
Variant type: Deletion.
Coding change: c.1407_1408del on transcript NM_001243279.3 (MANE Select); coding-DNA positions 1407 to 1408, 2 bases deleted (AG; older notation c.1407_1408delAG).
Protein change: p.Gly470fs; shifts the reading frame from glycine 470.
Molecular consequence: frameshift variant. On other transcripts: non-coding transcript variant (4).
Genome position (GRCh38, 1-based): chr16:89,145,307-89,145,308, AG deleted; deleting any 2 consecutive bases within chr16:89,145,306-89,145,308 gives the same sequence; the c. name uses the placement nearest the transcript's 3' end. VCF-style (leftmost placement, unchanged base first): chr16-89145305-CGA-C. GRCh37 (hg19) VCF-style: chr16-89211713-CGA-C.
Other names: c.1407_1408del, p.Gly470fs (NM_001127214.4, NM_174917.5); c.612_613del, p.Gly205fs (NM_001284316.2); short protein forms G470fs, G205fs.
Identifiers: ClinVar variation 957374 (VCV000957374.9), dbSNP rs1912702795, ClinGen allele CA1139664879.
Genomic context (GRCh38, chr16:89,145,305, plus strand): 5'-AACCAGAGCCCCTTTTCCTCAGGGGACACCGTGGTGTTTAAGGATGGCCAGTACTGGATC[CGA>C]GGCCGGACCTCAGTGGACATCATCAAGACTGGAGGCTACAAGGTCAGCGCCCTGGAGGTG-3'

ClinVar aggregate classification (germline): Likely pathogenic (1 of 4 stars; one submission).

Conditions:
Combined malonic and methylmalonic acidemia. Identifiers: Orphanet 289504, MedGen C3280314, MONDO:0013661, OMIM 614265.

Submission:

Labcorp Genetics (formerly Invitae), Labcorp
Classification: Likely pathogenic for Combined malonic and methylmalonic acidemia. Last evaluated: 2019-09-25. Review status: criteria provided, single submitter. Criteria: Invitae Variant Classification Sherloc (09022015). Collection method: clinical testing. Allele origin: germline.
Comment: This variant is not present in population databases (ExAC no frequency). This sequence change results in a premature translational stop signal in the ACSF3 gene (p.Gly470Profs*95). While this is not anticipated to result in nonsense mediated decay, it is expected to disrupt the last 107 amino acids of the ACSF3 protein. This variant has not been reported in the literature in individuals with ACSF3-related conditions. In summary, the currently available evidence indicates that the variant is pathogenic, but additional data are needed to prove that conclusively. Therefore, this variant has been classified as Likely Pathogenic. This variant disrupts the p.Arg558 amino acid residue in ACSF3. Other variant(s) that disrupt this residue have been determined to be pathogenic (PMID: 21841779, 26827111, Invitae). This suggests that this residue is clinically significant, and that variants that disrupt this residue are likely to be disease-causing.

Literature cited by the submitters: PubMed 21841779; PubMed 26827111.